The following is an entry in ClinVar:

ClinVar aggregate classification (germline): Uncertain significance (1 of 4 stars; one submission).

Submission:

Labcorp Genetics (formerly Invitae), Labcorp
Classification: Uncertain significance. Last evaluated: 2021-08-11. Review status: criteria provided, single submitter. Criteria: Invitae Variant Classification Sherloc (09022015). Collection method: clinical testing. Allele origin: germline.
Comment: In summary, the available evidence is currently insufficient to determine the role of this variant in disease. Therefore, it has been classified as a Variant of Uncertain Significance. Algorithms developed to predict the effect of missense changes on protein structure and function (SIFT, PolyPhen-2, Align-GVGD) all suggest that this variant is likely to be tolerated. This variant has not been reported in the literature in individuals affected with SCLT1-related conditions. This variant is not present in population databases (ExAC no frequency). This sequence change replaces lysine with glutamic acid at codon 226 of the SCLT1 protein (p.Lys226Glu). The lysine residue is moderately conserved and there is a small physicochemical difference between lysine and glutamic acid.

NM_144643.4(SCLT1):c.676A>G (p.Lys226Glu)

Gene: SCLT1 (sodium channel and clathrin linker 1; minus strand). Cytogenetic location: 4q28.2.
Variant type: single nucleotide variant.
Coding change: c.676A>G on transcript NM_144643.4 (MANE Select); coding-DNA position 676, A replaced by G.
Protein change: p.Lys226Glu; replaces lysine 226 with glutamic acid.
Molecular consequence: missense variant.
Genome position (GRCh38, 1-based): chr4:128,992,177, T>C on the plus strand (A>G on the coding strand, the complement: SCLT1 is on the minus strand). VCF-style: chr4-128992177-T-C. GRCh37 (hg19) VCF-style: chr4-129913332-T-C.
Other names: short protein forms K226E.
Identifiers: ClinVar variation 1410541 (VCV001410541.6), dbSNP rs2126069211, ClinGen allele CA358189439.